The following is an entry in ClinVar:

ClinVar aggregate classification (germline): Pathogenic/Likely pathogenic. Review status: criteria provided, multiple submitters, no conflicts (2 of 4 stars). 31 submissions from 29 submitters: Pathogenic (22); Likely pathogenic (1). 8 of the submissions do not count toward it. Last evaluated 2025-09-10.

Conditions:
SON-related disorder. Also called: SON-related condition.
ZTTK syndrome (ZTTKS). Also called: ZTTK MULTIPLE CONGENITAL ANOMALIES-MENTAL RETARDATION SYNDROME; Zhu-Tokita-Takenouchi-Kim Syndrome. Identifiers: Orphanet 500150, MedGen C4310696, MONDO:0014936, OMIM 617140.
Neurodevelopmental abnormality. Identifiers: MedGen C4022737, HP:0012759.
Hereditary spastic paraplegia 17. Also called: Silver spastic paraplegia syndrome; Spastic Paraplegia 17; Autosomal dominant spastic paraplegia type 17; Silver Syndrome; SPASTIC PARAPLEGIA WITH AMYOTROPHY OF HANDS AND FEET. Identifiers: Orphanet 100998, MedGen C2931276, MONDO:0010043, OMIM 270685.
Inborn genetic diseases. Identifiers: MedGen C0950123, MeSH D030342.
Global developmental delay (DD). Also called: Cognitive delay. Identifiers: MedGen C0557874, HP:0001263. Disease mechanism: loss of function.
Failure to thrive. Also called: Pediatric failure to thrive. Identifiers: MedGen C2315100, HP:0001508.

Submissions 1 to 11 of 31:

Genomic Medicine Center of Excellence, King Faisal Specialist Hospital and Research Centre
Classification: Pathogenic for ZTTK syndrome. Last evaluated: 2025-09-10. Review status: criteria provided, single submitter. Criteria: ACMG Guidelines, 2015. Collection method: clinical testing. Allele origin: germline.

Institute of Immunology and Genetics Kaiserslautern
Classification: Pathogenic for ZTTK syndrome. Last evaluated: 2025-08-07. Review status: criteria provided, single submitter. Criteria: ACMG Guidelines, 2015. Collection method: clinical testing. Allele origin: germline. Affected: yes.
Comment: ACMG Criteria: PVS1, PS2, PM2, PP5; Variant was found in heterozygous state together with a heterozygous deletion in chr4.

Ambry Genetics
Classification: Pathogenic for Inborn genetic diseases. Last evaluated: 2025-07-31. Review status: criteria provided, single submitter. Criteria: Ambry Variant Classification Scheme 2023. Collection method: clinical testing. Allele origin: germline.
Comment: The c.5753_5756delTTAG (p.V1918Efs*87) alteration, located in exon 3 (coding exon 3) of the SON gene, consists of a deletion of 4 nucleotides from position 5753 to 5756, causing a translational frameshift with a predicted alternate stop codon after 87 amino acids. This alteration is expected to result in loss of function by premature protein truncation or nonsense-mediated mRNA decay. This variant was not reported in population-based cohorts in the Genome Aggregation Database (gnomAD). This variant has been reported as a de novo occurrence in multiple affected individuals (Zhu, 2015; Kim, 2016; Takenouchi, 2016; Tokita, 2016; Ambry internal data). Real-time qPCR showed significantly decreased levels of SON mRNA transcripts in peripheral blood from two individuals harboring this variant, as compared to unaffected individuals negative for the variant (Kim, 2016). Based on the available evidence, this alteration is classified as pathogenic.

OLLIN Analises Genomicas, OLLIN
Classification: Pathogenic for ZTTK syndrome. Last evaluated: 2025-06-04. Review status: criteria provided, single submitter. Criteria: ACMG Guidelines 2015 PMID 25741868. Collection method: clinical testing. Allele origin: germline. Affected: yes. Observed: 1 variant allele.
Comment: The frameshift variant (chr21:33554981CAGTT>C), located in exon 3 (of 7), absent in gnomAD v4.1 non-UKB, is reported in ClinVar (VCV000252929.74) and in the scientific literature, and has also been identified de novo in individuals with ZTTK syndrome (PMID: 36181241, 27256762, 34521999, 27545680, 32291808, 27545676). This variant promotes a change in the reading frame with subsequent introduction of a premature stop codon, resulting in a truncated protein or mRNA degradation via nonsense-mediated decay (NMD). According to currently available evidence, this variant has been classified as pathogenic (PVS1, PS2_VS, PS4, PM2_P).

3billion
Classification: Pathogenic for ZTTK syndrome. Last evaluated: 2025-05-19. Review status: criteria provided, single submitter. Criteria: ACMG Guidelines, 2015. Collection method: clinical testing. Allele origin: germline. Affected: yes.
Comment: The variant is not observed in the gnomAD v4.1.0 dataset. Predicted Consequence/Location: Frameshift: predicted to result in a loss or disruption of normal protein function through nonsense-mediated decay (NMD) or protein truncation. Multiple pathogenic variants are reported downstream of the variant. The variant has been reported at least twice as pathogenic with clinical assertions and evidence for the classification (ClinVar ID: VCV000252929 /PMID: 25590979 /3billion dataset). Therefore, this variant is classified as Pathogenic according to the recommendation of ACMG/AMP guideline.

Variantyx, Inc.
Classification: Pathogenic for ZTTK syndrome. Last evaluated: 2025-04-02. Review status: criteria provided, single submitter. Criteria: Variantyx Assertion Criteria 2022. Collection method: clinical testing. Allele origin: de novo. Inheritance: Autosomal dominant inheritance. Affected: yes.
Comment: This is a frameshift variant in the SON gene (OMIM: 182465). Pathogenic variants in this gene have been associated with autosomal dominant ZTTK syndrome. This variant likely occurred de novo in the current proband, individuals reported in the published literature or previous internal cases; however, the possibility of parental germline mosaicism cannot be excluded (PMID: 27545676, 27545680) (PS2_Very_Strong). The alteration introduces a premature termination codon in exon 3 out of 12 and is expected to result in loss of function, which is a known disease mechanism for SON in this disorder (PMID: 25590979, 27256762, 27545680, 27545676) (PVS1). This variant is absent from control populations (PM2). Based on the current evidence, this variant is classified as pathogenic for autosomal dominant ZTTK syndrome.

Labcorp Genetics (formerly Invitae), Labcorp
Classification: Pathogenic. Last evaluated: 2024-10-01. Review status: criteria provided, single submitter. Criteria: Invitae Variant Classification Sherloc (09022015). Collection method: clinical testing. Allele origin: germline.
Comment: This sequence change creates a premature translational stop signal (p.Val1918Glufs*87) in the SON gene. It is expected to result in an absent or disrupted protein product. Loss-of-function variants in SON are known to be pathogenic (PMID: 27545676, 27545680). This variant is not present in population databases (gnomAD no frequency). This premature translational stop signal has been observed in individual(s) with Zhu-Tokita-Takenouchi-Kim syndrome (PMID: 27545676, 27545680). In at least one individual the variant was observed to be de novo. ClinVar contains an entry for this variant (Variation ID: 252929). For these reasons, this variant has been classified as Pathogenic.

CeGaT Center for Human Genetics Tuebingen
Classification: Pathogenic. Last evaluated: 2024-06-01. Review status: criteria provided, single submitter. Criteria: CeGaT Center For Human Genetics Tuebingen Variant Classification Criteria Version 2. Collection method: clinical testing. Allele origin: germline. Affected: yes. Observed: 5 variant alleles.
Comment: SON: PM6:Very Strong, PVS1, PM2, PS4:Moderate

Blueprint Genetics
Classification: Pathogenic for SON-related disorders. Last evaluated: 2023-09-11. Review status: criteria provided, single submitter. Criteria: ACMG Guidelines, 2015. Collection method: clinical testing. Allele origin: de novo. Affected: yes. Observed: 2 variant alleles.

Broad Center for Mendelian Genomics, Broad Institute of MIT and Harvard
Classification: Pathogenic for ZTTK syndrome. Last evaluated: 2023-05-02. Review status: criteria provided, single submitter. Criteria: ACMG Guidelines, 2015. Collection method: curation. Allele origin: germline. Inheritance: Autosomal dominant inheritance.
Comment: Trio exome analysis showed this variant to be de novo. The p.Val1918GlufsTer87 variant in SON has been previously reported in 12 unrelated individuals with ZTTK syndrome (PMID: 34521999, PMID: 27256762, PMID: 27545680, PMID: 27545676) and was found to be de novo in these individuals with confirmed paternity and maternity. The number of reported affected individuals with this variant is greater than expected compared to non-affected individuals with this variant. This variant has also been reported in ClinVar (Variation ID: 252929) and has been interpreted as pathogenic or likely pathogenic by multiple submitters. This variant was absent from large population studies. This variant is predicted to cause a frameshift, which alters the protein‚Äôs amino acid sequence beginning at position 1918 and leads to a premature termination codon 87 amino acids downstream. This alteration is then predicted to lead to a truncated or absent protein. Heterozygous loss of function of the SON gene is an established disease mechanism in autosomal dominant ZTTK syndrome. In summary, this variant meets criteria to be classified as pathogenic for autosomal dominant ZTTK syndrome. ACMG/AMP Criteria applied: PVS1, PS2_VeryStrong, PS4, PM2_Supporting (Richards 2015).

Duke University Health System Sequencing Clinic, Duke University Health System
Classification: Pathogenic for ZTTK syndrome. Last evaluated: 2023-04-20. Review status: criteria provided, single submitter. Criteria: ACMG Guidelines, 2015. Collection method: research. Allele origin: de novo. Affected: yes.

NM_138927.4(SON):c.5753_5756del (p.Val1918fs)

Gene: SON (SON DNA and RNA binding protein; plus strand). Cytogenetic location: 21q22.11.
Variant type: Deletion.
Coding change: c.5753_5756del on transcript NM_138927.4 (MANE Select); coding-DNA positions 5753 to 5756, 4 bases deleted (TTAG; older notation c.5753_5756delTTAG).
Protein change: p.Val1918fs; shifts the reading frame from valine 1918.
Molecular consequence: frameshift variant. On other transcripts: non-coding transcript variant (1), intron variant (1).
Genome position (GRCh38, 1-based): chr21:33,554,984-33,554,987, TTAG deleted; deleting any 4 consecutive bases within chr21:33,554,982-33,554,987 gives the same sequence; the c. name uses the placement nearest the transcript's 3' end. VCF-style (leftmost placement, unchanged base first): chr21-33554981-CAGTT-C. GRCh37 (hg19) VCF-style: chr21-34927287-CAGTT-C.
Other names: p.V1918Efs*87; NM_138927.4(SON):c.5753_5756del; p.Val1918fs; c.5751_5754delAGTT (NM_138927.2); c.5751_5754del (NM_138927.4); c.5753_5756del, p.Val1918fs (NM_001291411.2, NM_032195.3); c.245-2172_245-2169del (NM_001291412.3); short protein forms V1918fs.
Identifiers: ClinVar variation 252929 (VCV000252929.82), dbSNP rs886039773, ClinGen allele CA10586132.